The following is an entry in ClinVar:

NM_001378120.1(MBD5):c.3108G>T (p.Leu1036Phe)

Gene: MBD5 (methyl-CpG binding domain protein 5; plus strand). Cytogenetic location: 2q23.1.
Variant type: single nucleotide variant.
Coding change: c.3108G>T on transcript NM_001378120.1 (MANE Select); coding-DNA position 3108, G replaced by T.
Protein change: p.Leu1036Phe; replaces leucine 1036 with phenylalanine.
Molecular consequence: missense variant. On other transcripts: intron variant (1).
Genome position (GRCh38, 1-based): chr2:148,483,699, G>T. VCF-style: chr2-148483699-G-T. GRCh37 (hg19) VCF-style: chr2-149241268-G-T.
Other names: c.2845+263G>T (NM_018328.5); short protein forms L1036F.
Identifiers: ClinVar variation 3910214 (VCV003910214.5).

ClinVar aggregate classification (germline): Likely benign. Review status: criteria provided, multiple submitters, no conflicts (2 of 4 stars). 2 submissions from 2 submitters: Likely benign (2). Last evaluated 2026-03-01.

gnomAD v4.1: 106 of 1,550,468 alleles (0.0068%); highest among the groups gnomAD compares: Non-Finnish European, 0.0086%; no homozygotes.

Submissions (2):

CeGaT Center for Human Genetics Tuebingen
Classification: Likely benign. Last evaluated: 2026-03-01. Review status: criteria provided, single submitter. Criteria: CeGaT Center For Human Genetics Tuebingen Variant Classification Criteria Version 2. Collection method: clinical testing. Allele origin: germline. Affected: yes. Observed: 1 variant allele.
Comment: MBD5: BP4, BS2

Laboratory of Genetics, Children's Clinical University Hospital Latvia
Classification: Likely benign. Last evaluated: 2025-02-16. Review status: criteria provided, single submitter. Criteria: ACMG Guidelines, 2015. Collection method: clinical testing. Allele origin: germline. Affected: yes.